The following is an entry in ClinVar:

ClinVar aggregate classification (germline): Uncertain significance. Review status: criteria provided, multiple submitters, no conflicts (2 of 4 stars). 2 submissions from 2 submitters: Uncertain significance (2). Last evaluated 2023-03-27.

Submissions (2):

Women's Health and Genetics/Laboratory Corporation of America, LabCorp
Classification: Uncertain significance. Last evaluated: 2023-03-27. Review status: criteria provided, single submitter. Criteria: LabCorp Variant Classification Summary - May 2015. Collection method: clinical testing. Allele origin: germline.
Comment: Variant summary: THRB c.958C>A (p.Arg320Ser) results in a non-conservative amino acid change located in the Nuclear hormone receptor, ligand-binding domain (IPR000536) of the encoded protein sequence. Four of five in-silico tools predict a damaging effect of the variant on protein function. The variant was absent in 251466 control chromosomes (gnomAD). The available data on variant occurrences in the general population are insufficient to allow any conclusion about variant significance. c.958C>A has been reported in the literature in at-least one individual affected with Thyroid Hormone Resistance, Generalized, Autosomal Dominant (example: Armor_2014). These report(s) do not provide unequivocal conclusions about association of the variant with Thyroid Hormone Resistance, Generalized, Autosomal Dominant. To our knowledge, no experimental evidence demonstrating an impact on protein function has been reported. Multiple different variants affecting the same amino acid residue is reported in association with Thyroid hormone resistance in HGMD and at-least one have been classified pathogenic in ClinVar with multiple entries (CV ID 12557). One clinical diagnostic laboratory has submitted clinical-significance assessments for this variant to ClinVar after 2014 and classified the variant as uncertain significance. Based on the evidence outlined above, the variant was classified as VUS-possibly pathogenic.

Quest Diagnostics Nichols Institute San Juan Capistrano
Classification: Uncertain significance. Last evaluated: 2019-04-01. Review status: criteria provided, single submitter. Criteria: Quest Diagnostics criteria. Collection method: clinical testing. Allele origin: germline.

Literature cited by the submitters: PubMed 24722129 (cited by Women's Health and Genetics/Laboratory Corporation of America, LabCorp and Quest Diagnostics Nichols Institute San Juan Capistrano).

NM_001354712.2(THRB):c.958C>A (p.Arg320Ser)

Gene: THRB (thyroid hormone receptor beta; minus strand). Cytogenetic location: 3p24.2.
Variant type: single nucleotide variant.
Coding change: c.958C>A on transcript NM_001354712.2 (MANE Select); coding-DNA position 958, C replaced by A.
Protein change: p.Arg320Ser; replaces arginine 320 with serine.
Molecular consequence: missense variant.
Genome position (GRCh38, 1-based): chr3:24,127,685, G>T on the plus strand (C>A on the coding strand, the complement: THRB is on the minus strand). VCF-style: chr3-24127685-G-T. GRCh37 (hg19) VCF-style: chr3-24169176-G-T.
Other names: c.958C>A, p.Arg320Ser (NM_000461.5, NM_001128176.3, NM_001128177.2 and 12 more transcripts); c.865C>A, p.Arg289Ser (NM_001354714.2, NM_001354715.2); short protein forms R289S, R320S.
Identifiers: ClinVar variation 801290 (VCV000801290.4), dbSNP rs121918696, ClinGen allele CA351888876.